The following is an entry in ClinVar:

ClinVar aggregate classification (germline): Uncertain significance (1 of 4 stars; one submission).

gnomAD v4.1: 1 of 1,613,956 alleles (0.000062%); highest among the groups gnomAD compares: Non-Finnish European, 0.000085%; no homozygotes.

Submission:

GeneDx
Classification: Uncertain significance. Last evaluated: 2023-04-06. Review status: criteria provided, single submitter. Criteria: GeneDx Variant Classification Process June 2021. Collection method: clinical testing. Allele origin: germline. Affected: yes.
Comment: Not observed at significant frequency in large population cohorts (gnomAD); In silico analysis supports that this missense variant has a deleterious effect on protein structure/function; Has not been previously published as pathogenic or benign to our knowledge

NM_000744.7(CHRNA4):c.711C>G (p.Phe237Leu)

Gene: CHRNA4 (cholinergic receptor nicotinic alpha 4 subunit; minus strand). Cytogenetic location: 20q13.33.
Variant type: single nucleotide variant.
Coding change: c.711C>G on transcript NM_000744.7 (MANE Select); coding-DNA position 711, C replaced by G.
Protein change: p.Phe237Leu; replaces phenylalanine 237 with leucine.
Molecular consequence: missense variant. On other transcripts: non-coding transcript variant (1).
Genome position (GRCh38, 1-based): chr20:63,350,700, G>C on the plus strand (C>G on the coding strand, the complement: CHRNA4 is on the minus strand). VCF-style: chr20-63350700-G-C. GRCh37 (hg19) VCF-style: chr20-61982052-G-C.
Other names: c.183C>G, p.Phe61Leu (NM_001256573.2); short protein forms F237L, F61L.
Identifiers: ClinVar variation 2662176 (VCV002662176.1), dbSNP rs144446511, ClinGen allele CA409637044.